The following is an entry in ClinVar:

ClinVar aggregate classification (germline): Uncertain significance (1 of 4 stars; one submission).

Conditions:
Focal segmental glomerulosclerosis 5 (FSGS5). Identifiers: Orphanet 656, MedGen C2750475, MONDO:0013191, OMIM 613237.
Charcot-Marie-Tooth disease dominant intermediate E. Also called: CHARCOT-MARIE-TOOTH NEUROPATHY WITH FOCAL SEGMENTAL GLOMERULONEPHRITIS. Identifiers: Orphanet 93114, MedGen C4302667, MONDO:0013758, OMIM 614455.

gnomAD v4.1: 2 of 1,001,468 alleles (0.0002%); highest among the groups gnomAD compares: Non-Finnish European, 0.0003%; no homozygotes.

Submission:

Labcorp Genetics (formerly Invitae), Labcorp
Classification: Uncertain significance for Charcot-Marie-Tooth disease dominant intermediate E; Focal segmental glomerulosclerosis 5. Last evaluated: 2024-07-08. Review status: criteria provided, single submitter. Criteria: Invitae Variant Classification Sherloc (09022015). Collection method: clinical testing. Allele origin: germline.
Comment: This sequence change replaces proline, which is neutral and non-polar, with glutamine, which is neutral and polar, at codon 472 of the INF2 protein (p.Pro472Gln). This variant is not present in population databases (gnomAD no frequency). This variant has not been reported in the literature in individuals affected with INF2-related conditions. Advanced modeling of protein sequence and biophysical properties (such as structural, functional, and spatial information, amino acid conservation, physicochemical variation, residue mobility, and thermodynamic stability) performed at Invitae indicates that this missense variant is not expected to disrupt INF2 protein function with a negative predictive value of 95%. In summary, the available evidence is currently insufficient to determine the role of this variant in disease. Therefore, it has been classified as a Variant of Uncertain Significance.

NM_022489.4(INF2):c.1415C>A (p.Pro472Gln)

Gene: INF2 (inverted formin 2; plus strand). Cytogenetic location: 14q32.33.
Variant type: single nucleotide variant.
Coding change: c.1415C>A on transcript NM_022489.4 (MANE Select); coding-DNA position 1415, C replaced by A.
Protein change: p.Pro472Gln; replaces proline 472 with glutamine.
Molecular consequence: missense variant. On other transcripts: non-coding transcript variant (1).
Genome position (GRCh38, 1-based): chr14:104,707,682, C>A. VCF-style: chr14-104707682-C-A. GRCh37 (hg19) VCF-style: chr14-105174019-C-A.
Other names: c.1415C>A, p.Pro472Gln (NM_001031714.4, NM_001426862.1, NM_001426863.1 and 2 more transcripts); short protein forms P472Q.
Identifiers: ClinVar variation 3753951 (VCV003753951.2).